The following is an entry in ClinVar:

NM_003579.4(RAD54L):c.830C>T (p.Thr277Ile)

Gene: RAD54L (RAD54 like; plus strand). Cytogenetic location: 1p34.1.
Variant type: single nucleotide variant.
Coding change: c.830C>T on transcript NM_003579.4 (MANE Select); coding-DNA position 830, C replaced by T.
Protein change: p.Thr277Ile; replaces threonine 277 with isoleucine.
Molecular consequence: missense variant.
Genome position (GRCh38, 1-based): chr1:46,261,324, C>T. VCF-style: chr1-46261324-C-T. GRCh37 (hg19) VCF-style: chr1-46726996-C-T.
Other names: c.830C>T, p.Thr277Ile (NM_001142548.2); c.290C>T, p.Thr97Ile (NM_001370766.1); short protein forms T277I, T97I.
Identifiers: ClinVar variation 3223465 (VCV003223465.1), dbSNP rs773643349, ClinGen allele CA834383.

ClinVar aggregate classification (germline): Uncertain significance (1 of 4 stars; one submission).

Allele frequency attached by ClinVar (database versions not stated): ExAC 0.00001.
gnomAD v4.1: 2 of 1,613,554 alleles (0.00012%); highest among the groups gnomAD compares: Admixed American, 0.0033%; no homozygotes.

Submission:

Ambry Genetics
Classification: Uncertain significance. Last evaluated: 2023-12-07. Review status: criteria provided, single submitter. Criteria: Ambry Variant Classification Scheme 2023. Collection method: clinical testing. Allele origin: germline.
Comment: The p.T277I variant (also known as c.830C>T), located in coding exon 8 of the RAD54L gene, results from a C to T substitution at nucleotide position 830. The threonine at codon 277 is replaced by isoleucine, an amino acid with similar properties. This amino acid position is conserved. In addition, this alteration is predicted to be deleterious by in silico analysis. Since supporting evidence is limited at this time, the clinical significance of this alteration remains unclear.